The following is an entry in ClinVar:

NM_000755.5(CRAT):c.954C>T (p.Ser318=)

Gene: CRAT (carnitine O-acetyltransferase; minus strand). Cytogenetic location: 9q34.11.
Variant type: single nucleotide variant.
Coding change: c.954C>T on transcript NM_000755.5 (MANE Select); coding-DNA position 954, C replaced by T.
Protein change: p.Ser318=; no amino-acid change (serine 318 retained).
Molecular consequence: synonymous variant.
Genome position (GRCh38, 1-based): chr9:129,100,541, G>A on the plus strand (C>T on the coding strand, the complement: CRAT is on the minus strand). VCF-style: chr9-129100541-G-A. GRCh37 (hg19) VCF-style: chr9-131862820-G-A.
Other names: c.954C>T (NM_000755.4); c.891C>T, p.Ser297= (NM_001257363.3, NM_001346548.2, NM_004003.4); c.957C>T, p.Ser319= (NM_001346546.2); c.954C>T, p.Ser318= (NM_001346547.2); c.834C>T, p.Ser278= (NM_001346549.2).
Identifiers: ClinVar variation 1168217 (VCV001168217.12), dbSNP rs113579980, ClinGen allele CA5275564.

ClinVar aggregate classification (germline): Benign. Review status: criteria provided, multiple submitters, no conflicts (2 of 4 stars). 3 submissions from 3 submitters: Benign (2). 1 of the submissions does not count toward it. Last evaluated 2025-12-19.

Conditions:
CRAT-related disorder. Also called: CRAT-related condition.

Allele frequency attached by ClinVar (database versions not stated): TOPMed 0.00158; 1000 Genomes Project 0.00180; 1000 Genomes Project 30x 0.00187; gnomAD 0.00137 and 0.00146; ESP Exome Variant Server 0.00146.
gnomAD v4.1: 413 of 1,613,636 alleles (0.026%); highest among the groups gnomAD compares: African/African-American, 0.45%; no homozygotes.

Submissions (3):

Labcorp Genetics (formerly Invitae), Labcorp
Classification: Benign. Last evaluated: 2025-12-19. Review status: criteria provided, single submitter. Criteria: Invitae Variant Classification Sherloc (09022015). Collection method: clinical testing. Allele origin: germline.

Breakthrough Genomics
Classification: Benign. Review status: criteria provided, single submitter. Criteria: ACMG Guidelines, 2015. Collection method: not provided. Allele origin: germline. Inheritance: Autosomal recessive inheritance. Affected: yes.

PreventionGenetics, part of Exact Sciences
Classification: Likely benign for CRAT-related condition. Last evaluated: 2019-03-25. Review status: no assertion criteria provided. Collection method: clinical testing. Allele origin: germline. Not counted in ClinVar's aggregate classification.
Comment: This variant is classified as likely benign based on ACMG/AMP sequence variant interpretation guidelines (Richards et al. 2015 PMID: 25741868, with internal and published modifications).